The following is an entry in ClinVar:

ClinVar aggregate classification (germline): Benign. Review status: criteria provided, multiple submitters, no conflicts (2 of 4 stars). 3 submissions from 3 submitters: Benign (2). 1 of the submissions does not count toward it. Last evaluated 2018-05-30.

Conditions:
EPHB2-related disorder. Also called: EPHB2-related condition.

Allele frequency attached by ClinVar (database versions not stated): gnomAD exomes 0.00049 and 0.00123; ExAC 0.00148; 1000 Genomes Project 0.00339; 1000 Genomes Project 30x 0.00344; ESP Exome Variant Server 0.00415; gnomAD 0.00464 and 0.00500; TOPMed 0.00504.
gnomAD v4.1: 1,449 of 1,607,528 alleles (0.09%); highest among the groups gnomAD compares: African/African-American, 1.7%; 21 homozygotes.

Submissions (3):

Labcorp Genetics (formerly Invitae), Labcorp
Classification: Benign. Last evaluated: 2018-05-30. Review status: criteria provided, single submitter. Criteria: Invitae Variant Classification Sherloc (09022015). Collection method: clinical testing. Allele origin: germline.

Breakthrough Genomics
Classification: Benign. Review status: criteria provided, single submitter. Criteria: ACMG Guidelines, 2015. Collection method: not provided. Allele origin: germline. Inheritance: Autosomal recessive inheritance. Affected: yes.

PreventionGenetics, part of Exact Sciences
Classification: Benign for EPHB2-related condition. Last evaluated: 2024-05-15. Review status: no assertion criteria provided. Collection method: clinical testing. Allele origin: germline. Not counted in ClinVar's aggregate classification.
Comment: This variant is classified as benign based on ACMG/AMP sequence variant interpretation guidelines (Richards et al. 2015 PMID: 25741868, with internal and published modifications).

NM_017449.5(EPHB2):c.510C>T (p.Ser170=)

Gene: EPHB2 (EPH receptor B2; plus strand). Cytogenetic location: 1p36.12.
Variant type: single nucleotide variant.
Coding change: c.510C>T on transcript NM_017449.5 (MANE Select); coding-DNA position 510, C replaced by T.
Protein change: p.Ser170=; no amino-acid change (serine 170 retained).
Molecular consequence: synonymous variant.
Genome position (GRCh38, 1-based): chr1:22,784,775, C>T. VCF-style: chr1-22784775-C-T. GRCh37 (hg19) VCF-style: chr1-23111268-C-T.
Other names: c.510C>T, p.Ser170= (NM_001309192.2, NM_001309193.2, NM_004442.7).
Identifiers: ClinVar variation 770326 (VCV000770326.6), dbSNP rs61732489, ClinGen allele CA678384.